The following is an entry in ClinVar:

ClinVar aggregate classification (germline): Uncertain significance. Review status: criteria provided, multiple submitters, no conflicts (2 of 4 stars). 4 submissions from 4 submitters: Uncertain significance (4). Last evaluated 2025-08-20.

Conditions:
Classic or attenuated familial adenomatous polyposis. Identifiers: MedGen CN372698, MONDO:0021057.
Hereditary cancer-predisposing syndrome. Also called: Neoplastic Syndromes, Hereditary; Tumor predisposition; Hereditary Cancer Syndrome; Hereditary neoplastic syndrome. Identifiers: Orphanet 140162, MedGen C0027672, MeSH D009386, MONDO:0015356.
Familial adenomatous polyposis 1 (FAP1). Also called: FAMILIAL ADENOMATOUS POLYPOSIS 1, ATTENUATED; POLYPOSIS, ADENOMATOUS INTESTINAL. Identifiers: MedGen C2713442, MONDO:0021056, OMIM 175100. Disease mechanism: loss of function.

Submissions (4):

Color Diagnostics, LLC DBA Color Health
Classification: Uncertain significance for Hereditary cancer-predisposing syndrome. Last evaluated: 2025-08-20. Review status: criteria provided, single submitter. Criteria: ACMG Guidelines, 2015. Collection method: clinical testing. Allele origin: germline.
Comment: This missense variant replaces asparagine with aspartic acid at codon 1161 of the APC protein. Computational prediction suggests that this variant may not impact protein structure and function. To our knowledge, functional studies have not been reported for this variant. This variant has not been reported in individuals affected with APC-related disorders in the literature. This variant has not been identified in the general population by the Genome Aggregation Database (gnomAD). The available evidence is insufficient to determine the role of this variant in disease conclusively. Therefore, this variant is classified as a Variant of Uncertain Significance.

Labcorp Genetics (formerly Invitae), Labcorp
Classification: Uncertain significance for Familial adenomatous polyposis 1. Last evaluated: 2024-07-02. Review status: criteria provided, single submitter. Criteria: Invitae Variant Classification Sherloc (09022015). Collection method: clinical testing. Allele origin: germline.
Comment: This sequence change replaces asparagine, which is neutral and polar, with aspartic acid, which is acidic and polar, at codon 1161 of the APC protein (p.Asn1161Asp). This variant is not present in population databases (gnomAD no frequency). This variant has not been reported in the literature in individuals affected with APC-related conditions. ClinVar contains an entry for this variant (Variation ID: 1731847). Advanced modeling of protein sequence and biophysical properties (such as structural, functional, and spatial information, amino acid conservation, physicochemical variation, residue mobility, and thermodynamic stability) performed at Invitae indicates that this missense variant is not expected to disrupt APC protein function with a negative predictive value of 95%. In summary, the available evidence is currently insufficient to determine the role of this variant in disease. Therefore, it has been classified as a Variant of Uncertain Significance.

All of Us Research Program, National Institutes of Health
Classification: Uncertain significance for Classic or attenuated familial adenomatous polyposis. Last evaluated: 2023-06-28. Review status: criteria provided, single submitter. Criteria: ACMG Guidelines, 2015. Collection method: clinical testing. Allele origin: germline. Inheritance: Autosomal dominant inheritance. Observed: 1 variant allele, 1 heterozygote.
Comment: This study involves interpretation of variants in research participants for the purpose of population health screening. Participant phenotype was not available at the time of variant classification. Additional details can be found in publication PMID: 35346344, PMCID: PMC8962531

Ambry Genetics
Classification: Uncertain significance for Hereditary cancer-predisposing syndrome. Last evaluated: 2022-10-13. Review status: criteria provided, single submitter. Criteria: Ambry Variant Classification Scheme 2023. Collection method: clinical testing. Allele origin: germline.
Comment: The p.N1161D variant (also known as c.3481A>G), located in coding exon 15 of the APC gene, results from an A to G substitution at nucleotide position 3481. The asparagine at codon 1161 is replaced by aspartic acid, an amino acid with highly similar properties. This amino acid position is well conserved in available vertebrate species. In addition, in silico predictors for this gene do not accurately predict pathogenicity. Since supporting evidence is limited at this time, the clinical significance of this alteration remains unclear.

NM_000038.6(APC):c.3481A>G (p.Asn1161Asp)

Gene: APC (APC regulator of Wnt signaling pathway; plus strand). Cytogenetic location: 5q22.2.
Variant type: single nucleotide variant.
Coding change: c.3481A>G on transcript NM_000038.6 (MANE Select); coding-DNA position 3481, A replaced by G.
Protein change: p.Asn1161Asp; replaces asparagine 1161 with aspartic acid.
Molecular consequence: missense variant.
Genome position (GRCh38, 1-based): chr5:112,839,075, A>G. VCF-style: chr5-112839075-A-G. GRCh37 (hg19) VCF-style: chr5-112174772-A-G.
Other names: c.3481A>G, p.Asn1161Asp (NM_001127510.3, NM_001354895.2, NM_001407450.1); c.3427A>G, p.Asn1143Asp (NM_001127511.3); c.3535A>G, p.Asn1179Asp (NM_001354896.2, NM_001407447.1, NM_001407448.1 and 1 more transcripts); c.3511A>G, p.Asn1171Asp (NM_001354897.2); c.3406A>G, p.Asn1136Asp (NM_001354898.2); c.3397A>G, p.Asn1133Asp (NM_001354899.2); c.3358A>G, p.Asn1120Asp (NM_001354900.2); c.3304A>G, p.Asn1102Asp (NM_001354901.2, NM_001407453.1); and 11 more; short protein forms N1070D, N1151D, N1179D, N1001D, N1032D, N1035D, N1078D, N1136D.
Identifiers: ClinVar variation 1731847 (VCV001731847.7), dbSNP rs2149892875, ClinGen allele CA16028969.